The following is an entry in ClinVar:

NM_001365088.1(SLC12A6):c.32C>T (p.Ala11Val)

Gene: SLC12A6 (solute carrier family 12 member 6; minus strand). Cytogenetic location: 15q14.
Variant type: single nucleotide variant.
Coding change: c.32C>T on transcript NM_001365088.1 (MANE Select); coding-DNA position 32, C replaced by T.
Protein change: p.Ala11Val; replaces alanine 11 with valine.
Molecular consequence: missense variant. On other transcripts: intron variant (2).
Genome position (GRCh38, 1-based): chr15:34,336,649, G>A on the plus strand (C>T on the coding strand, the complement: SLC12A6 is on the minus strand). VCF-style: chr15-34336649-G-A. GRCh37 (hg19) VCF-style: chr15-34628850-G-A.
Other names: c.5C>T, p.Ala2Val (NM_001042496.2); c.32C>T, p.Ala11Val (NM_001042497.2, NM_133647.2); c.-98-48C>T (NM_001042495.2, NM_001042494.2); short protein forms A2V, A11V.
Identifiers: ClinVar variation 1902699 (VCV001902699.5), dbSNP rs377072265, ClinGen allele CA7464723.
Genomic context (GRCh38, chr15:34,336,649, plus strand): 5'-GTGTCTGACAAACCTGGAATGTCATCGATCTTTGTCGGTGTCACCATGAACCGAACTGAA[G>A]CCATCTTGGTGGTGGTTTCTGGAGGATGCATTTTGTTCTTTTTAAGAACAAAAAAAGTGG-3'
Protein context (NP_001352017.1, residues 1-21): MHPPETTTKM[Ala11Val]SVRFMVTPTK

ClinVar aggregate classification (germline): Uncertain significance. Review status: criteria provided, multiple submitters, no conflicts (2 of 4 stars). 2 submissions from 2 submitters: Uncertain significance (2). Last evaluated 2026-01-19.

Allele frequency attached by ClinVar (database versions not stated): ExAC 0.00001; gnomAD 0.00001; TOPMed 0.00002; ESP Exome Variant Server 0.00008.
gnomAD v4.1: 5 of 1,613,880 alleles (0.00031%); highest among the groups gnomAD compares: African/African-American, 0.0067%; no homozygotes.

Submissions (2):

Labcorp Genetics (formerly Invitae), Labcorp
Classification: Uncertain significance. Last evaluated: 2026-01-19. Review status: criteria provided, single submitter. Criteria: Invitae Variant Classification Sherloc (09022015). Collection method: clinical testing. Allele origin: germline.
Comment: This sequence change replaces alanine, which is neutral and non-polar, with valine, which is neutral and non-polar, at codon 11 of the SLC12A6 protein (p.Ala11Val). This variant is present in population databases (rs377072265, gnomAD 0.03%). This variant has not been reported in the literature in individuals affected with SLC12A6-related conditions. ClinVar contains an entry for this variant (Variation ID: 1902699). Invitae Evidence Modeling of protein sequence and biophysical properties (such as structural, functional, and spatial information, amino acid conservation, physicochemical variation, residue mobility, and thermodynamic stability) indicates that this missense variant is not expected to disrupt SLC12A6 protein function with a negative predictive value of 95%. In summary, the available evidence is currently insufficient to determine the role of this variant in disease. Therefore, it has been classified as a Variant of Uncertain Significance.

Dasa
Classification: Uncertain significance. Last evaluated: 2025-03-18. Review status: criteria provided, single submitter. Criteria: DASA Assertion Criteria. Collection method: clinical testing. Allele origin: germline.
Comment: NM_001365088.1(SLC12A6):c.32C>T (p.Ala11Val) is a missense variant that results in the substitution of alanine with valine. This variant is rare in population databases. Computational prediction algorithms are consistent with a benign effect. The currently available literature and clinical evidence are not sufficient to establish a definitive association between this variant and the reported condition. Therefore, this variant is classified as a variant of uncertain significance.